The following is an entry in ClinVar:

NM_001042492.3(NF1):c.4810C>G (p.Pro1604Ala)

Gene: NF1 (neurofibromin 1; plus strand). Cytogenetic location: 17q11.2.
Variant type: single nucleotide variant.
Coding change: c.4810C>G on transcript NM_001042492.3 (MANE Select); coding-DNA position 4810, C replaced by G.
Protein change: p.Pro1604Ala; replaces proline 1604 with alanine.
Molecular consequence: missense variant.
Genome position (GRCh38, 1-based): chr17:31,265,314, C>G. VCF-style: chr17-31265314-C-G. GRCh37 (hg19) VCF-style: chr17-29592332-C-G.
Other names: c.4747C>G, p.Pro1583Ala (NM_000267.4); short protein forms P1583A, P1604A.
Identifiers: ClinVar variation 3237800 (VCV003237800.1), dbSNP rs2151470290.
Genomic context (GRCh38, chr17:31,265,314, plus strand): 5'-TTCAAGGCTTTGAAAACGTTAAGTATTTTCTACCAAGCTGGGACTTCCAAAGCTGGGAAT[C>G]CTATTTTTTATTATGTTGCACGGAGGTAAGAAATACTATGTTTTGGGTCTCTTAACAGAA-3'
Protein context (NP_001035957.1, residues 1594-1614): YQAGTSKAGN[Pro1604Ala]IFYYVARRFK

ClinVar aggregate classification (germline): Uncertain significance (1 of 4 stars; one submission).

Conditions:
Hereditary cancer-predisposing syndrome. Also called: Neoplastic Syndromes, Hereditary; Tumor predisposition; Hereditary neoplastic syndrome; Hereditary Cancer Syndrome. Identifiers: Orphanet 140162, MedGen C0027672, MeSH D009386, MONDO:0015356.
Cardiovascular phenotype. Identifiers: MedGen CN230736.

Submission:

Ambry Genetics
Classification: Uncertain significance for Cardiovascular phenotype; Hereditary cancer-predisposing syndrome. Last evaluated: 2023-09-10. Review status: criteria provided, single submitter. Criteria: Ambry Variant Classification Scheme 2023. Collection method: clinical testing. Allele origin: germline.
Comment: The p.P1583A variant (also known as c.4747C>G), located in coding exon 35 of the NF1 gene, results from a C to G substitution at nucleotide position 4747. The proline at codon 1583 is replaced by alanine, an amino acid with highly similar properties. This amino acid position is conserved. In addition, this alteration is predicted to be deleterious by in silico analysis. Since supporting evidence is limited at this time, the clinical significance of this alteration remains unclear.